The following is an entry in ClinVar:

NM_001298.3(CNGA3):c.1128G>C (p.Glu376Asp)

Gene: CNGA3 (cyclic nucleotide gated channel subunit alpha 3; plus strand). Cytogenetic location: 2q11.2.
Variant type: single nucleotide variant.
Coding change: c.1128G>C on transcript NM_001298.3 (MANE Select); coding-DNA position 1128, G replaced by C.
Protein change: p.Glu376Asp; replaces glutamic acid 376 with aspartic acid.
Molecular consequence: missense variant.
Genome position (GRCh38, 1-based): chr2:98,396,298, G>C. VCF-style: chr2-98396298-G-C. GRCh37 (hg19) VCF-style: chr2-99012761-G-C.
Other names: c.1074G>C, p.Glu358Asp (NM_001079878.2); short protein forms E358D, E376D.
Identifiers: ClinVar variation 1062910 (VCV001062910.9), dbSNP rs1426466250, ClinGen allele CA347832886.
Genomic context (GRCh38, chr2:98,396,298, plus strand): 5'-CTACTGGTCCACCTTGACCCTTACCACCATTGGTGAGACCCCACCCCCCGTGAAAGATGA[G>C]GAGTATCTCTTTGTGGTCGTAGACTTCTTGGTGGGTGTTCTGATTTTTGCCACCATTGTG-3'
Protein context (NP_001289.1, residues 366-386): IGETPPPVKD[Glu376Asp]EYLFVVVDFL

ClinVar aggregate classification (germline): Uncertain significance. Review status: criteria provided, multiple submitters, no conflicts (2 of 4 stars). 2 submissions from 2 submitters: Uncertain significance (2). Last evaluated 2020-09-17.

Submissions (2):

Labcorp Genetics (formerly Invitae), Labcorp
Classification: Uncertain significance. Last evaluated: 2020-09-17. Review status: criteria provided, single submitter. Criteria: Invitae Variant Classification Sherloc (09022015). Collection method: clinical testing. Allele origin: germline.
Comment: In summary, the available evidence is currently insufficient to determine the role of this variant in disease. Therefore, it has been classified as a Variant of Uncertain Significance. Advanced modeling of protein sequence and biophysical properties (such as structural, functional, and spatial information, amino acid conservation, physicochemical variation, residue mobility, and thermodynamic stability) performed at Invitae indicates that this missense variant is not expected to disrupt CNGA3 protein function. This sequence change replaces glutamic acid with aspartic acid at codon 376 of the CNGA3 protein (p.Glu376Asp). The glutamic acid residue is moderately conserved and there is a small physicochemical difference between glutamic acid and aspartic acid. This variant is not present in population databases (ExAC no frequency). This variant has not been reported in the literature in individuals with CNGA3-related conditions.

GeneDx
Classification: Uncertain significance. Last evaluated: 2019-10-02. Review status: criteria provided, single submitter. Criteria: GeneDx Variant Classification Process June 2021. Collection method: clinical testing. Allele origin: germline. Affected: yes.
Comment: Not observed in large population cohorts (Lek et al., 2016); In silico analysis, which includes protein predictors and evolutionary conservation, supports that this variant does not alter protein structure/function; Has not been previously published as pathogenic or benign to our knowledge